The following is an entry in ClinVar:

ClinVar aggregate classification (germline): Likely pathogenic (1 of 4 stars; one submission).

Conditions:
Neurodevelopmental disorder with motor regression, progressive spastic paraplegia, and oromotor dysfunction (NEDRSO). Identifiers: MedGen C5882695, MONDO:0957791, OMIM 620515.

Submission:

3billion
Classification: Likely pathogenic for Neurodevelopmental disorder with motor regression, progressive spastic paraplegia, and oromotor dysfunction. Last evaluated: 2024-02-26. Review status: criteria provided, single submitter. Criteria: ACMG Guidelines, 2015. Collection method: clinical testing. Allele origin: germline. Affected: yes.
Comment: The variant is observed at an extremely low frequency in the gnomAD v2.1.1 dataset (total allele frequency: <0.001%). Predicted Consequence/Location: Canonical splice site: predicted to alter splicing and result in a loss or disruption of normal protein function. Multiple pathogenic loss-of-function variants are reported downstream of the variant. In silico tools predict the variant to alter splicing and produce an abnormal transcript [Splice AI: 0.88 (spliceogenicity >=0.2, non-spliceogenicity <0.1)]. Therefore, this variant is classified as Likely pathogenic according to the recommendation of ACMG/AMP guideline.

NM_003086.4(SNAPC4):c.1500+1G>A

Gene: SNAPC4 (small nuclear RNA activating complex polypeptide 4; minus strand). Cytogenetic location: 9q34.3.
Variant type: single nucleotide variant.
Coding change: c.1500+1G>A on transcript NM_003086.4 (MANE Select); the canonical splice donor site of the intron after coding-DNA position 1500, G replaced by A.
Molecular consequence: splice donor variant.
Genome position (GRCh38, 1-based): chr9:136,383,952, C>T on the plus strand (G>A on the coding strand, the complement: SNAPC4 is on the minus strand). VCF-style: chr9-136383952-C-T. GRCh37 (hg19) VCF-style: chr9-139278404-C-T.
Other names: c.1500+1G>A (NM_001394203.1, NM_001394202.1, NM_001394201.1).
Identifiers: ClinVar variation 3776084 (VCV003776084.1).